The following is an entry in ClinVar:

NM_006269.2(RP1):c.1705A>G (p.Thr569Ala)

Gene: RP1 (RP1 axonemal microtubule associated; plus strand). Cytogenetic location: 8q12.1.
Variant type: single nucleotide variant.
Coding change: c.1705A>G on transcript NM_006269.2 (MANE Select); coding-DNA position 1705, A replaced by G.
Protein change: p.Thr569Ala; replaces threonine 569 with alanine.
Molecular consequence: missense variant. On other transcripts: intron variant (1).
Genome position (GRCh38, 1-based): chr8:54,625,587, A>G. VCF-style: chr8-54625587-A-G. GRCh37 (hg19) VCF-style: chr8-55538147-A-G.
Other names: c.1705A>G (NM_006269.1); c.787+3299A>G (NM_001375654.1); short protein forms T569A.
Identifiers: ClinVar variation 1035497 (VCV001035497.9), dbSNP rs1286471672, ClinGen allele CA370991314.

ClinVar aggregate classification (germline): Uncertain significance. Review status: criteria provided, single submitter (1 of 4 stars). 2 submissions from 2 submitters: Uncertain significance (1). 1 of the submissions does not count toward it. Last evaluated 2020-03-16.

Conditions:
RP1-related disorder. Also called: RP1-related condition.

Allele frequency attached by ClinVar (database versions not stated): gnomAD exomes below 0.00001; TOPMed below 0.00001; gnomAD 0.00001.
gnomAD v4.1: 10 of 1,614,030 alleles (0.00062%); highest among the groups gnomAD compares: Non-Finnish European, 0.00085%; no homozygotes.

Submissions (2):

Labcorp Genetics (formerly Invitae), Labcorp
Classification: Uncertain significance. Last evaluated: 2020-03-16. Review status: criteria provided, single submitter. Criteria: Invitae Variant Classification Sherloc (09022015). Collection method: clinical testing. Allele origin: germline.
Comment: This sequence change replaces threonine with alanine at codon 569 of the RP1 protein (p.Thr569Ala). The threonine residue is highly conserved and there is a small physicochemical difference between threonine and alanine. This variant is not present in population databases (ExAC no frequency). This variant has not been reported in the literature in individuals with RP1-related conditions. Algorithms developed to predict the effect of missense changes on protein structure and function output the following: SIFT: "Tolerated"; PolyPhen-2: "Benign"; Align-GVGD: "Class C0". The alanine amino acid residue is found in multiple mammalian species, suggesting that this missense change does not adversely affect protein function. These predictions have not been confirmed by published functional studies and their clinical significance is uncertain. Algorithms developed to predict the effect of sequence changes on RNA splicing suggest that this variant may create or strengthen a splice site, but this prediction has not been confirmed by published transcriptional studies. In summary, the available evidence is currently insufficient to determine the role of this variant in disease. Therefore, it has been classified as a Variant of Uncertain Significance.

PreventionGenetics, part of Exact Sciences
Classification: Uncertain significance for RP1-related condition. Last evaluated: 2024-09-19. Review status: no assertion criteria provided. Collection method: clinical testing. Allele origin: germline. Not counted in ClinVar's aggregate classification.
Comment: The RP1 c.1705A>G variant is predicted to result in the amino acid substitution p.Thr569Ala. To our knowledge, this variant has been reported in at least one individual with retinitis pigmentosa (Ziviello et al. 2005. PubMedID: 15994872). This variant is reported in 0.00088% of alleles in individuals of European (Non-Finnish) descent in gnomAD. At this time, the clinical significance of this variant is uncertain due to the absence of conclusive functional and genetic evidence.